The following is an entry in ClinVar:

NM_182925.5(FLT4):c.1881G>A (p.Val627=)

Gene: FLT4 (fms related receptor tyrosine kinase 4; minus strand). Cytogenetic location: 5q35.3.
Variant type: single nucleotide variant.
Coding change: c.1881G>A on transcript NM_182925.5 (MANE Select); coding-DNA position 1881, G replaced by A.
Protein change: p.Val627=; no amino-acid change (valine 627 retained).
Molecular consequence: synonymous variant.
Genome position (GRCh38, 1-based): chr5:180,621,681, C>T on the plus strand (G>A on the coding strand, the complement: FLT4 is on the minus strand). VCF-style: chr5-180621681-C-T. GRCh37 (hg19) VCF-style: chr5-180048681-C-T.
Other names: c.1881G>A, p.Val627= (NM_001354989.2, NM_002020.5).
Identifiers: ClinVar variation 4084124 (VCV004084124.8).
Genomic context (GRCh38, chr5:180,621,681, plus strand): 5'-GTGCTCGGGCGCGACGCGGGGGATACTCAGGCTGAGCGTGGCGTGGCGCGCCCCAGGTGC[C>T]ACCTCCTCCAGGCTGGCGGCCAGAGGGGTGGCGAACAGATGCACGTTCTTGCAGTCGAGC-3'
Protein context (NP_891555.2, residues 617-637): ATPLAASLEE[Val627=]APGARHATLS

ClinVar aggregate classification (germline): Likely benign (1 of 4 stars; one submission).

gnomAD v4.1: 162 of 1,611,578 alleles (0.01%); highest among the groups gnomAD compares: Non-Finnish European, 0.012%; no homozygotes.

Submission:

CeGaT Center for Human Genetics Tuebingen
Classification: Likely benign. Last evaluated: 2025-08-01. Review status: criteria provided, single submitter. Criteria: CeGaT Center For Human Genetics Tuebingen Variant Classification Criteria Version 2. Collection method: clinical testing. Allele origin: germline. Affected: yes. Observed: 1 variant allele.
Comment: FLT4: BP4, BP7